The following is an entry in ClinVar:

ClinVar aggregate classification (germline): Pathogenic (1 of 4 stars; one submission).

Conditions:
Autosomal recessive ataxia, Beauce type. Also called: Spinocerebellar ataxia, autosomal recessive 8; ATAXIA, RECESSIVE, OF BEAUCE; SYNE1-Related Autosomal Recessive Cerebellar Ataxia; SYNE1 Deficiency. Identifiers: Orphanet 88644, MedGen C1853116, MONDO:0012549, OMIM 610743.

Submission:

Institute of Human Genetics, University of Goettingen
Classification: Pathogenic for Autosomal recessive ataxia, Beauce type. Last evaluated: 2020-05-20. Review status: criteria provided, single submitter. Criteria: ACMG Guidelines, 2015. Collection method: clinical testing. Allele origin: unknown. Inheritance: Autosomal recessive inheritance. Observed: 1 heterozygote.
Comment: ACMG criteria used for classification: PVS1, PM2

NM_182961.4(SYNE1):c.6226G>T (p.Glu2076Ter)

Gene: SYNE1 (spectrin repeat containing nuclear envelope protein 1; minus strand). Cytogenetic location: 6q25.2.
Variant type: single nucleotide variant.
Coding change: c.6226G>T on transcript NM_182961.4 (MANE Select); coding-DNA position 6226, G replaced by T.
Protein change: p.Glu2076Ter; replaces glutamic acid 2076 with a stop codon.
Molecular consequence: nonsense.
Genome position (GRCh38, 1-based): chr6:152,413,356, C>A on the plus strand (G>T on the coding strand, the complement: SYNE1 is on the minus strand). VCF-style: chr6-152413356-C-A. GRCh37 (hg19) VCF-style: chr6-152734491-C-A.
Other names: c.6247G>T, p.Glu2083Ter (NM_033071.5); short protein forms E2083*, E2076*.
Identifiers: ClinVar variation 917530 (VCV000917530.3), dbSNP rs2098101022, ClinGen allele CA366128853.